The following is an entry in ClinVar:

ClinVar aggregate classification (germline): Uncertain significance (1 of 4 stars; one submission).

Conditions:
Arrhythmogenic cardiomyopathy with wooly hair and keratoderma. Also called: PALMOPLANTAR KERATODERMA WITH LEFT VENTRICULAR CARDIOMYOPATHY AND WOOLLY HAIR; Carvajal syndrome; Dilated cardiomyopathy with woolly hair and keratoderma; Arrhythmogenic cardiomyopathy with woolly hair and keratoderma. Identifiers: Orphanet 65282, MedGen C1854063, MONDO:0011581, OMIM 605676.

gnomAD v4.1: 2 of 1,613,904 alleles (0.00012%); highest among the groups gnomAD compares: Non-Finnish European, 0.00017%; no homozygotes.

Submission:

All of Us Research Program, National Institutes of Health
Classification: Uncertain significance for Arrhythmogenic cardiomyopathy with wooly hair and keratoderma. Last evaluated: 2023-08-15. Review status: criteria provided, single submitter. Criteria: ACMG Guidelines, 2015. Collection method: clinical testing. Allele origin: germline. Inheritance: Autosomal dominant inheritance. Observed: 1 variant allele, 1 heterozygote.
Comment: This missense variant replaces valine with alanine at codon 1961 of the DSP protein. Computational prediction suggests that this variant may not impact protein structure and function (internally defined REVEL score threshold <= 0.5, PMID: 27666373). To our knowledge, functional studies have not been reported for this variant. This variant has not been reported in individuals affected with DSP-related disorders in the literature. This variant has not been identified in the general population by the Genome Aggregation Database (gnomAD). The available evidence is insufficient to determine the role of this variant in disease conclusively. Therefore, this variant is classified as a Variant of Uncertain Significance.

This study involves interpretation of variants in research participants for the purpose of population health screening. Participant phenotype was not available at the time of variant classification. Additional details can be found in publication PMID: 35346344, PMCID: PMC8962531

NM_004415.4(DSP):c.5882T>C (p.Val1961Ala)

Gene: DSP (desmoplakin; plus strand). Cytogenetic location: 6p24.3.
Variant type: single nucleotide variant.
Coding change: c.5882T>C on transcript NM_004415.4 (MANE Select); coding-DNA position 5882, T replaced by C.
Protein change: p.Val1961Ala; replaces valine 1961 with alanine.
Molecular consequence: missense variant.
Genome position (GRCh38, 1-based): chr6:7,583,144, T>C. VCF-style: chr6-7583144-T-C. GRCh37 (hg19) VCF-style: chr6-7583377-T-C.
Other names: c.4085T>C, p.Val1362Ala (NM_001008844.3); c.4553T>C, p.Val1518Ala (NM_001319034.2); short protein forms V1362A, V1518A, V1961A.
Identifiers: ClinVar variation 3072758 (VCV003072758.1), dbSNP rs756837205, ClinGen allele CA362689620.